The following is an entry in ClinVar:

ClinVar aggregate classification (germline): Uncertain significance (1 of 4 stars; one submission).

Conditions:
Hereditary pheochromocytoma and paraganglioma. Also called: Hereditary pheochromocytoma-paraganglioma; Hereditary Paraganglioma-Pheochromocytoma Syndromes; Hereditary paragangliomas and pheochromocytomas. Identifiers: Orphanet 29072, MedGen C4274332, MONDO:0017366.

Allele frequency attached by ClinVar (database versions not stated): gnomAD exomes below 0.00001.
gnomAD v4.1: 10 of 1,613,902 alleles (0.00062%); highest among the groups gnomAD compares: Non-Finnish European, 0.00085%; no homozygotes.

Submission:

Labcorp Genetics (formerly Invitae), Labcorp
Classification: Uncertain significance for Hereditary pheochromocytoma and paraganglioma. Last evaluated: 2024-06-29. Review status: criteria provided, single submitter. Criteria: Invitae Variant Classification Sherloc (09022015). Collection method: clinical testing. Allele origin: germline.
Comment: This sequence change replaces leucine, which is neutral and non-polar, with valine, which is neutral and non-polar, at codon 16 of the SDHAF2 protein (p.Leu16Val). This variant is present in population databases (no rsID available, gnomAD 0.0009%). This variant has not been reported in the literature in individuals affected with SDHAF2-related conditions. ClinVar contains an entry for this variant (Variation ID: 956197). Algorithms developed to predict the effect of missense changes on protein structure and function output the following: SIFT: "Not Available"; PolyPhen-2: "Benign"; Align-GVGD: "Not Available". The valine amino acid residue is found in multiple mammalian species, which suggests that this missense change does not adversely affect protein function. In summary, the available evidence is currently insufficient to determine the role of this variant in disease. Therefore, it has been classified as a Variant of Uncertain Significance.

NM_017841.4(SDHAF2):c.46C>G (p.Leu16Val)

Gene: SDHAF2 (succinate dehydrogenase complex assembly factor 2; plus strand). Cytogenetic location: 11q12.2.
Variant type: single nucleotide variant.
Coding change: c.46C>G on transcript NM_017841.4 (MANE Select); coding-DNA position 46, C replaced by G.
Protein change: p.Leu16Val; replaces leucine 16 with valine.
Molecular consequence: missense variant.
Genome position (GRCh38, 1-based): chr11:61,437,634, C>G. VCF-style: chr11-61437634-C-G. GRCh37 (hg19) VCF-style: chr11-61205106-C-G.
Other names: short protein forms L16V.
Identifiers: ClinVar variation 956197 (VCV000956197.4), dbSNP rs1312422519, ClinGen allele CA380682770.